The following is an entry in ClinVar:

NM_201384.3(PLEC):c.7816C>T (p.Arg2606Trp)

Gene: PLEC (plectin; minus strand). Cytogenetic location: 8q24.3.
Variant type: single nucleotide variant.
Coding change: c.7816C>T on transcript NM_201384.3 (MANE Select); coding-DNA position 7816, C replaced by T.
Protein change: p.Arg2606Trp; replaces arginine 2606 with tryptophan.
Molecular consequence: missense variant.
Genome position (GRCh38, 1-based): chr8:143,922,005, G>A on the plus strand (C>T on the coding strand, the complement: PLEC is on the minus strand). VCF-style: chr8-143922005-G-A. GRCh37 (hg19) VCF-style: chr8-144996173-G-A.
Other names: c.7897C>T, p.Arg2633Trp (NM_000445.5); c.4516C>T, p.Arg1506Trp (NM_001410941.1); c.7774C>T, p.Arg2592Trp (NM_201378.4); c.7750C>T, p.Arg2584Trp (NM_201379.3); c.8227C>T, p.Arg2743Trp (NM_201380.4); c.7720C>T, p.Arg2574Trp (NM_201381.3); c.7816C>T, p.Arg2606Trp (NM_201382.4); c.7828C>T, p.Arg2610Trp (NM_201383.3); and 1 more; short protein forms R2610W, R2633W, R2574W, R2592W, R2584W, R1506W, R2606W, R2743W.
Identifiers: ClinVar variation 2037828 (VCV002037828.6), dbSNP rs782607134, ClinGen allele CA4925512.

ClinVar aggregate classification (germline): Uncertain significance. Review status: criteria provided, multiple submitters, no conflicts (2 of 4 stars). 3 submissions from 3 submitters: Uncertain significance (2). 1 of the submissions does not count toward it. Last evaluated 2024-12-17.

Conditions:
Epidermolysis bullosa simplex 5B, with muscular dystrophy (EBS5B). Also called: EPIDERMOLYSIS BULLOSA SIMPLEX AND LIMB-GIRDLE MUSCULAR DYSTROPHY; Epidermolysis bullosa simplex with muscular dystrophy. Identifiers: Orphanet 257, MedGen C2931072, MONDO:0009181, OMIM 226670.
Epidermolysis bullosa simplex 5C, with pyloric atresia (EBS5C). Also called: PLEC-Related Epidermolysis Bullosa with Pyloric Atresia; Epidermolysis bullosa simplex with pyloric atresia; PLEC1-Related Epidermolysis Bullosa with Pyloric Atresia. Identifiers: Orphanet 158684, MedGen C2677349, MONDO:0012807, OMIM 612138.
Epidermolysis bullosa simplex with nail dystrophy (EBS5D). Identifiers: MedGen C4225309, MONDO:0014661, OMIM 616487.
Epidermolysis bullosa simplex, Ogna type (EBS5A). Also called: Pidermolysis bullosa simplex 5A, Ogna type; EPIDERMOLYSIS BULLOSA SIMPLEX 5A, OGNA TYPE. Identifiers: Orphanet 79401, MedGen C0432317, MONDO:0007555, OMIM 131950.
Autosomal recessive limb-girdle muscular dystrophy type 2Q (LGMDR17). Also called: MUSCULAR DYSTROPHY, LIMB-GIRDLE, AUTOSOMAL RECESSIVE 17. Identifiers: Orphanet 254361, MedGen C3150989, MONDO:0013390, OMIM 613723.
PLEC-related disorder. Also called: PLEC-related condition; PLEC-related disorders.

Allele frequency attached by ClinVar (database versions not stated): gnomAD 0.00002; TOPMed 0.00003; ExAC 0.00004.
gnomAD v4.1: 64 of 1,598,006 alleles (0.004%); highest among the groups gnomAD compares: Middle Eastern, 0.017%; no homozygotes.

Submissions (3):

Labcorp Genetics (formerly Invitae), Labcorp
Classification: Uncertain significance for Autosomal recessive limb-girdle muscular dystrophy type 2Q; Epidermolysis bullosa simplex, Ogna type; Epidermolysis bullosa simplex with nail dystrophy; Epidermolysis bullosa simplex 5C, with pyloric atresia; Epidermolysis bullosa simplex 5B, with muscular dystrophy. Last evaluated: 2024-12-17. Review status: criteria provided, single submitter. Criteria: Invitae Variant Classification Sherloc (09022015). Collection method: clinical testing. Allele origin: germline.
Comment: This sequence change replaces arginine, which is basic and polar, with tryptophan, which is neutral and slightly polar, at codon 2633 of the PLEC protein (p.Arg2633Trp). This variant is present in population databases (rs782607134, gnomAD 0.009%). This variant has not been reported in the literature in individuals affected with PLEC-related conditions. ClinVar contains an entry for this variant (Variation ID: 2037828). Invitae Evidence Modeling of protein sequence and biophysical properties (such as structural, functional, and spatial information, amino acid conservation, physicochemical variation, residue mobility, and thermodynamic stability) has been performed for this missense variant. However, the output from this modeling did not meet the statistical confidence thresholds required to predict the impact of this variant on PLEC protein function. In summary, the available evidence is currently insufficient to determine the role of this variant in disease. Therefore, it has been classified as a Variant of Uncertain Significance.

Baylor Genetics
Classification: Uncertain significance for Epidermolysis bullosa simplex, Ogna type. Last evaluated: 2021-06-13. Review status: criteria provided, single submitter. Criteria: ACMG Guidelines, 2015. Collection method: clinical testing. Allele origin: unknown.

PreventionGenetics, part of Exact Sciences
Classification: Uncertain significance for PLEC-related condition. Last evaluated: 2024-08-20. Review status: no assertion criteria provided. Collection method: clinical testing. Allele origin: germline. Not counted in ClinVar's aggregate classification.
Comment: The PLEC c.7897C>T variant is predicted to result in the amino acid substitution p.Arg2633Trp. To our knowledge, this variant has not been reported in the literature. This variant is reported in 0.0088% of alleles in individuals of Latino descent in gnomAD. At this time, the clinical significance of this variant is uncertain due to the absence of conclusive functional and genetic evidence.